The following is an entry in ClinVar:

ClinVar aggregate classification (germline): Likely benign (1 of 4 stars; one submission).

Submission:

CeGaT Center for Human Genetics Tuebingen
Classification: Likely benign. Last evaluated: 2025-06-01. Review status: criteria provided, single submitter. Criteria: CeGaT Center For Human Genetics Tuebingen Variant Classification Criteria Version 2. Collection method: clinical testing. Allele origin: germline. Affected: yes. Observed: 1 variant allele.
Comment: STK11: BP4, BP7

NM_000455.5(STK11):c.*398C>T

Gene: STK11 (serine/threonine kinase 11; plus strand). Cytogenetic location: 19p13.3.
Variant type: single nucleotide variant.
Coding change: c.*398C>T on transcript NM_000455.5 (MANE Select); 398 bases downstream of the stop codon, C replaced by T.
Molecular consequence: 3 prime UTR variant. On other transcripts: non-coding transcript variant (1).
Genome position (GRCh38, 1-based): chr19:1,227,974, C>T. VCF-style: chr19-1227974-C-T. GRCh37 (hg19) VCF-style: chr19-1227973-C-T.
Identifiers: ClinVar variation 3905602 (VCV003905602.10).
Genomic context (GRCh38, chr19:1,227,974, plus strand): 5'-GCGCCCAGCGCCGTCCGGCGGCCCCGCCGCAGACCAGCTGGCGGGTGTGGAGACCAGGCT[C>T]CTGACCCCGCCATGCATGCAGCGCCACCTGGAAGCCGCGCGGCCGCTTTGGTTTTTTGTT-3'